The following is an entry in ClinVar:

ClinVar aggregate classification (germline): Uncertain significance. Review status: criteria provided, multiple submitters, no conflicts (2 of 4 stars). 2 submissions from 2 submitters: Uncertain significance (2). Last evaluated 2025-10-03.

Allele frequency attached by ClinVar (database versions not stated): gnomAD 0.00031; ESP Exome Variant Server 0.00038; TOPMed 0.00038; gnomAD exomes 0.00055; ExAC 0.00064; 1000 Genomes Project 30x 0.00094; 1000 Genomes Project 0.00100.
gnomAD v4.1: 849 of 1,613,350 alleles (0.053%); highest among the groups gnomAD compares: South Asian, 0.14%; 2 homozygotes.

Submissions (2):

Labcorp Genetics (formerly Invitae), Labcorp
Classification: Uncertain significance. Last evaluated: 2025-10-03. Review status: criteria provided, single submitter. Criteria: Invitae Variant Classification Sherloc (09022015). Collection method: clinical testing. Allele origin: germline.
Comment: This sequence change replaces alanine, which is neutral and non-polar, with valine, which is neutral and non-polar, at codon 133 of the RSPO2 protein (p.Ala133Val). This variant is present in population databases (rs142649056, gnomAD 0.1%), and has an allele count higher than expected for a pathogenic variant. This variant has not been reported in the literature in individuals affected with RSPO2-related conditions. ClinVar contains an entry for this variant (Variation ID: 2658745). Invitae Evidence Modeling of protein sequence and biophysical properties (such as structural, functional, and spatial information, amino acid conservation, physicochemical variation, residue mobility, and thermodynamic stability) indicates that this missense variant is not expected to disrupt RSPO2 protein function with a negative predictive value of 80%. In summary, the available evidence is currently insufficient to determine the role of this variant in disease. Therefore, it has been classified as a Variant of Uncertain Significance.

CeGaT Center for Human Genetics Tuebingen
Classification: Uncertain significance. Last evaluated: 2023-11-01. Review status: criteria provided, single submitter. Criteria: CeGaT Center For Human Genetics Tuebingen Variant Classification Criteria Version 2. Collection method: clinical testing. Allele origin: germline. Affected: yes. Observed: 1 variant allele.

NM_178565.5(RSPO2):c.398C>T (p.Ala133Val)

Gene: RSPO2 (R-spondin 2; minus strand). Cytogenetic location: 8q23.1.
Variant type: single nucleotide variant.
Coding change: c.398C>T on transcript NM_178565.5 (MANE Select); coding-DNA position 398, C replaced by T.
Protein change: p.Ala133Val; replaces alanine 133 with valine.
Molecular consequence: missense variant.
Genome position (GRCh38, 1-based): chr8:107,960,703, G>A on the plus strand (C>T on the coding strand, the complement: RSPO2 is on the minus strand). VCF-style: chr8-107960703-G-A. GRCh37 (hg19) VCF-style: chr8-108972931-G-A.
Other names: c.209C>T, p.Ala70Val (NM_001282863.2); c.197C>T, p.Ala66Val (NM_001317942.2); short protein forms A133V, A66V, A70V.
Identifiers: ClinVar variation 2658745 (VCV002658745.25), dbSNP rs142649056, ClinGen allele CA4841594.